The following is an entry in ClinVar:

ClinVar aggregate classification (germline): Uncertain significance. Review status: criteria provided, multiple submitters, no conflicts (2 of 4 stars). 2 submissions from 2 submitters: Uncertain significance (2). Last evaluated 2025-05-20.

Allele frequency attached by ClinVar (database versions not stated): ExAC 0.00009.
gnomAD v4.1: 29 of 1,535,542 alleles (0.0019%); highest among the groups gnomAD compares: South Asian, 0.0036%; no homozygotes.

Submissions (2):

GeneDx
Classification: Uncertain significance. Last evaluated: 2025-05-20. Review status: criteria provided, single submitter. Criteria: GeneDx Variant Classification Process June 2021. Collection method: clinical testing. Allele origin: germline. Affected: yes.
Comment: Not observed at significant frequency in large population cohorts (gnomAD); In silico analysis supports that this missense variant has a deleterious effect on protein structure/function; Has not been previously published as pathogenic or benign to our knowledge

Labcorp Genetics (formerly Invitae), Labcorp
Classification: Uncertain significance. Last evaluated: 2024-02-20. Review status: criteria provided, single submitter. Criteria: Invitae Variant Classification Sherloc (09022015). Collection method: clinical testing. Allele origin: germline.
Comment: This sequence change replaces valine, which is neutral and non-polar, with alanine, which is neutral and non-polar, at codon 256 of the TYMP protein (p.Val256Ala). This variant is present in population databases (rs750933965, gnomAD 0.004%). This variant has not been reported in the literature in individuals affected with TYMP-related conditions. ClinVar contains an entry for this variant (Variation ID: 2574727). An algorithm developed to predict the effect of missense changes on protein structure and function (PolyPhen-2) suggests that this variant is likely to be disruptive. In summary, the available evidence is currently insufficient to determine the role of this variant in disease. Therefore, it has been classified as a Variant of Uncertain Significance.

NM_001953.5(TYMP):c.767T>C (p.Val256Ala)

Gene: TYMP (thymidine phosphorylase; minus strand). Cytogenetic location: 22q13.33.
Variant type: single nucleotide variant.
Coding change: c.767T>C on transcript NM_001953.5 (MANE Select); coding-DNA position 767, T replaced by C.
Protein change: p.Val256Ala; replaces valine 256 with alanine.
Molecular consequence: missense variant.
Genome position (GRCh38, 1-based): chr22:50,526,737, A>G on the plus strand (T>C on the coding strand, the complement: TYMP is on the minus strand). VCF-style: chr22-50526737-A-G. GRCh37 (hg19) VCF-style: chr22-50965166-A-G.
Other names: c.767T>C, p.Val256Ala (NM_001113755.3, NM_001113756.3, NM_001257988.1 and 1 more transcripts); short protein forms V256A.
Identifiers: ClinVar variation 2574727 (VCV002574727.3), dbSNP rs750933965, ClinGen allele CA10321560.